The following is an entry in ClinVar:

NM_007294.4(BRCA1):c.3410T>C (p.Met1137Thr)

Genes: BRCA1 (BRCA1 DNA repair associated; minus strand), LOC126862571 (BRD4-independent group 4 enhancer GRCh37_chr17:41243136-41244335; plus strand). Cytogenetic location: 17q21.31.
Variant type: single nucleotide variant.
Coding change: c.3410T>C on transcript NM_007294.4 (MANE Select); coding-DNA position 3410, T replaced by C.
Protein change: p.Met1137Thr; replaces methionine 1137 with threonine.
Molecular consequence: missense variant. On other transcripts: intron variant (135).
Genome position (GRCh38, 1-based): chr17:43,092,121, A>G on the plus strand (T>C on the coding strand, the complement: BRCA1 is on the minus strand). VCF-style: chr17-43092121-A-G. GRCh37 (hg19) VCF-style: chr17-41244138-A-G.
Other names: p.M1137T:ATG>ACG; c.3197T>C, p.Met1066Thr (NM_001407571.1, NM_001407853.1, NM_001407894.1 and 9 more transcripts); c.3410T>C, p.Met1137Thr (NM_001407581.1, NM_001407582.1, NM_001407583.1 and 30 more transcripts); c.3407T>C, p.Met1136Thr (NM_001407587.1, NM_001407590.1, NM_001407591.1 and 22 more transcripts); c.3401T>C, p.Met1134Thr (NM_001407646.1, NM_001407647.1); c.3287T>C, p.Met1096Thr (NM_001407648.1, NM_001407664.1, NM_001407665.1 and 19 more transcripts); c.3284T>C, p.Met1095Thr (NM_001407649.1, NM_001407670.1, NM_001407671.1 and 11 more transcripts); c.3332T>C, p.Met1111Thr (NM_001407653.1, NM_001407654.1, NM_001407655.1 and 4 more transcripts); and 42 more; short protein forms M1137T, M1090T, M1069T, M1111T, M1134T, M1025T, M1067T, M1070T.
Identifiers: ClinVar variation 54871 (VCV000054871.46), dbSNP rs80357297, ClinGen allele CA002204.

ClinVar aggregate classification (germline): Conflicting classifications of pathogenicity. Review status: criteria provided, conflicting classifications (1 of 4 stars). 11 submissions from 11 submitters: Uncertain significance (7); Benign (1); Likely benign (1). 2 of the submissions do not count toward it. Last evaluated 2025-12-09.

Conditions:
BRCA1-related cancer predisposition. Identifiers: MedGen CN377757, MONDO:0700268.
Hereditary cancer-predisposing syndrome. Also called: Tumor predisposition; Neoplastic Syndromes, Hereditary; Hereditary Cancer Syndrome; Hereditary neoplastic syndrome. Identifiers: Orphanet 140162, MedGen C0027672, MeSH D009386, MONDO:0015356.
Hereditary breast ovarian cancer syndrome. Also called: Hereditary breast and ovarian cancer syndrome (HBOC); Hereditary breast and ovarian cancer syndrome; Hereditary breast and ovarian cancer; Hereditary breast and/or ovarian cancer syndrome; Breast and ovarian cancer; BRCA1- and BRCA2-Associated Hereditary Breast and Ovarian Cancer. Identifiers: Orphanet 145, MedGen C0677776, MeSH D061325, MONDO:0003582. Disease mechanism: loss of function.
Breast-ovarian cancer, familial, susceptibility to, 1 (BROVCA1). Also called: OVARIAN CANCER, SUSCEPTIBILITY TO; BRCA1 Hereditary Breast and Ovarian Cancer. Identifiers: Orphanet 145, MedGen C2676676, MONDO:0011450, OMIM 604370. Disease mechanism: loss of function.

Allele frequency attached by ClinVar (database versions not stated): gnomAD exomes below 0.00001; TOPMed below 0.00001.

Submissions (11):

Color Diagnostics, LLC DBA Color Health
Classification: Uncertain significance for Hereditary cancer-predisposing syndrome. Last evaluated: 2025-12-09. Review status: criteria provided, single submitter. Criteria: ACMG Guidelines, 2015. Collection method: clinical testing. Allele origin: germline.
Comment: This missense variant replaces methionine with threonine at codon 1137 of the BRCA1 protein. Computational prediction suggests that this variant may not impact protein structure and function. To our knowledge, functional studies have not been reported for this variant. This variant has been reported in an individual affected with breast cancer (PMID: 19491284) and in an individual with a family history of breast and/or ovarian cancers (PMID: 22476429). This variant also has been reported in one or more individuals homozygous for this variant without expected clinical features if this variant were disease-causing (ClinVar SCV004186056.1). Multifactorial analysis reached a combined likelihood ratio (LR) of 0.468 based on case-control data involving fewer than 5 individuals and the personal and family history of one carrier (PMID: 31853058, 40413188).This variant has been identified in 3/1613818 chromosomes in the general population by the Genome Aggregation Database (gnomAD). Although there is a suspicion that this variant may not be associated with disease, additional studies are necessary to determine the role of this variant in disease conclusively. Therefore, this variant is classified as a Variant of Uncertain Significance.

Labcorp Genetics (formerly Invitae), Labcorp
Classification: Uncertain significance for Hereditary breast ovarian cancer syndrome. Last evaluated: 2025-11-05. Review status: criteria provided, single submitter. Criteria: Invitae Variant Classification Sherloc (09022015). Collection method: clinical testing. Allele origin: germline.
Comment: This sequence change replaces methionine, which is neutral and non-polar, with threonine, which is neutral and polar, at codon 1137 of the BRCA1 protein (p.Met1137Thr). This variant is not present in population databases (gnomAD no frequency). This missense change has been observed in individual(s) with breast cancer or a high risk of breast and/or ovarian cancer (PMID: 19491284, 22476429). ClinVar contains an entry for this variant (Variation ID: 54871). Invitae Evidence Modeling of protein sequence and biophysical properties (such as structural, functional, and spatial information, amino acid conservation, physicochemical variation, residue mobility, and thermodynamic stability) indicates that this missense variant is not expected to disrupt BRCA1 protein function with a negative predictive value of 80%. In summary, the available evidence is currently insufficient to determine the role of this variant in disease. Therefore, it has been classified as a Variant of Uncertain Significance.

Ambry Genetics
Classification: Uncertain significance for Hereditary cancer-predisposing syndrome. Last evaluated: 2025-06-14. Review status: criteria provided, single submitter. Criteria: Ambry Variant Classification Scheme 2023. Collection method: clinical testing. Allele origin: germline.
Comment: The p.M1137T variant (also known as c.3410T>C), located in coding exon 9 of the BRCA1 gene, results from a T to C substitution at nucleotide position 3410. The methionine at codon 1137 is replaced by threonine, an amino acid with similar properties. This alteration has been identified in high-risk breast/ovarian cohorts (Haffty BG et al. J. Med. Genet. 2006 Feb;43(2):133-7; Lu W et al. Fam Cancer, 2012 Sep;11:381-5). This amino acid position is not well conserved in available vertebrate species. In addition, the in silico prediction for this alteration is inconclusive. Since supporting evidence is limited at this time, the clinical significance of this alteration remains unclear.

All of Us Research Program, National Institutes of Health
Classification: Uncertain significance for BRCA1-related cancer predisposition. Last evaluated: 2024-04-16. Review status: criteria provided, single submitter. Criteria: ACMG Guidelines, 2015. Collection method: clinical testing. Allele origin: germline. Inheritance: Autosomal dominant inheritance. Observed: 2 variant alleles, 2 heterozygotes.
Comment: This missense variant replaces methionine with threonine at codon 1137 of the BRCA1 protein. Computational prediction suggests that this variant may not impact protein structure and function. To our knowledge, functional studies have not been reported for this variant. This variant has been reported in an individual affected with breast cancer (PMID: 19491284) and in an individual with a family history of breast and/or ovarian cancers (PMID: 22476429). This variant also has been reported in one ore more individuals homozygous for this variant without expected clinical features if this variant were disease-causing (ClinVar SCV004186056.1). This variant has not been identified in the general population by the Genome Aggregation Database (gnomAD). The available evidence is insufficient to determine the role of this variant in disease conclusively. Therefore, this variant is classified as a Variant of Uncertain Significance.

This study involves interpretation of variants in research participants for the purpose of population health screening. Participant phenotype was not available at the time of variant classification. Additional details can be found in publication PMID: 35346344, PMCID: PMC8962531

GeneDx
Classification: Uncertain significance. Last evaluated: 2023-12-22. Review status: criteria provided, single submitter. Criteria: GeneDx Variant Classification Process June 2021. Collection method: clinical testing. Allele origin: germline. Affected: yes.
Comment: Not observed at significant frequency in large population cohorts (gnomAD); In silico analysis supports that this missense variant has a deleterious effect on protein structure/function; Also known as 3529T>C; This variant is associated with the following publications: (PMID: 15983021, 19491284, 16518693, 22476429, 12531920, 23704879, 15385441)

Myriad Genetics, Inc.
Classification: Benign for Breast-ovarian cancer, familial, susceptibility to, 1. Last evaluated: 2023-11-06. Review status: criteria provided, single submitter. Criteria: Myriad Autosomal Dominant, Autosomal Recessive and X-Linked Classification Criteria (2023). Collection method: clinical testing. Allele origin: unknown.
Comment: This variant is considered benign. This variant is strongly associated with less severe personal and family histories of cancer, typical for individuals without pathogenic variants in this gene [PMID: 25085752]. Homozygosity has been confirmed in one or more individuals. As homozygosity for pathogenic variants in this gene is generally assumed to result in embryonic lethality, this variant is unlikely to be pathogenic.

Women's Health and Genetics/Laboratory Corporation of America, LabCorp
Classification: Uncertain significance. Last evaluated: 2023-09-18. Review status: criteria provided, single submitter. Criteria: LabCorp Variant Classification Summary - May 2015. Collection method: clinical testing. Allele origin: germline.
Comment: Variant summary: BRCA1 c.3410T>C (p.Met1137Thr) results in a non-conservative amino acid change in the encoded protein sequence. Four of five in-silico tools predict a benign effect of the variant on protein function. The variant was absent in 250962 control chromosomes (gnomAD). The available data on variant occurrences in the general population are insufficient to allow any conclusion about variant significance. c.3410T>C has been reported in the literature as a VUS in individuals affected with Breast and/or Ovarian Cancer (e.g. Haffty_2006, Lu_2012). These reports do not provide unequivocal conclusions about association of the variant with Hereditary Breast and Ovarian Cancer. To our knowledge, no experimental evidence demonstrating an impact on protein function has been reported. The following publications have been ascertained in the context of this evaluation (PMID: 16518693, 12531920, 19491284, 15983021, 22476429, 15385441, 30212499, 23704879). Six submitters have cited clinical-significance assessments for this variant to ClinVar after 2014. Five submitters classified the variant as uncertain significance, and one submitter classified the variant as likely benign. Based on the evidence outlined above, the variant was classified as uncertain significance.

University of Washington Department of Laboratory Medicine, University of Washington
Classification: Likely benign for Hereditary cancer-predisposing syndrome. Last evaluated: 2023-03-23. Review status: criteria provided, single submitter. Criteria: Dines et al. (Genet Med. 2020). Collection method: curation. Allele origin: germline.
Comment: Missense variant in a coldspot region where missense variants are very unlikely to be pathogenic (PMID:31911673).

BRCA1 coldspot (exon 11 using historical exon numbering). Reclassification based on statistical prior probability

Quest Diagnostics Nichols Institute San Juan Capistrano
Classification: Uncertain significance. Last evaluated: 2021-07-23. Review status: criteria provided, single submitter. Criteria: Quest Diagnostics criteria. Collection method: clinical testing. Allele origin: unknown.

Counsyl
Classification: Uncertain significance for Breast-ovarian cancer, familial, susceptibility to, 1. Last evaluated: 2017-11-15. Review status: no assertion criteria provided. Collection method: clinical testing. Allele origin: unknown. Not counted in ClinVar's aggregate classification.

Breast Cancer Information Core (BIC) (BRCA1)
Classification: Uncertain significance for Breast-ovarian cancer, familial 1. Last evaluated: 1997-11-14. Review status: no assertion criteria provided. Collection method: clinical testing. Allele origin: germline. Affected: yes. Observed: 1 variant allele. Not counted in ClinVar's aggregate classification.

Literature cited by the submitters: PubMed 19491284 (cited by 6 submitters); PubMed 22476429 (cited by 7 submitters); PubMed 31853058 (cited by Color Diagnostics, LLC DBA Color Health); PubMed 40413188 (cited by Color Diagnostics, LLC DBA Color Health); PubMed 25085752 (cited by Myriad Genetics, Inc.); PubMed 16518693 (cited by Women's Health and Genetics/Laboratory Corporation of America, LabCorp and Quest Diagnostics Nichols Institute San Juan Capistrano); PubMed 15385441 (cited by Women's Health and Genetics/Laboratory Corporation of America, LabCorp); PubMed 12531920 (cited by Women's Health and Genetics/Laboratory Corporation of America, LabCorp and Quest Diagnostics Nichols Institute San Juan Capistrano); PubMed 15983021 (cited by 3 submitters); PubMed 23704879 (cited by Women's Health and Genetics/Laboratory Corporation of America, LabCorp and Quest Diagnostics Nichols Institute San Juan Capistrano); PubMed 30212499 (cited by Women's Health and Genetics/Laboratory Corporation of America, LabCorp and Quest Diagnostics Nichols Institute San Juan Capistrano).